The following is an entry in ClinVar:

ClinVar aggregate classification (germline): Uncertain significance (1 of 4 stars; one submission).

Submission:

Labcorp Genetics (formerly Invitae), Labcorp
Classification: Uncertain significance. Last evaluated: 2024-01-24. Review status: criteria provided, single submitter. Criteria: Invitae Variant Classification Sherloc (09022015). Collection method: clinical testing. Allele origin: germline.
Comment: This sequence change replaces serine, which is neutral and polar, with asparagine, which is neutral and polar, at codon 1622 of the TUBGCP6 protein (p.Ser1622Asn). This variant is present in population databases (no rsID available, gnomAD 0.03%). This variant has not been reported in the literature in individuals affected with TUBGCP6-related conditions. ClinVar contains an entry for this variant (Variation ID: 1933512). Algorithms developed to predict the effect of missense changes on protein structure and function output the following: SIFT: "Not Available"; PolyPhen-2: "Benign"; Align-GVGD: "Not Available". The asparagine amino acid residue is found in multiple mammalian species, which suggests that this missense change does not adversely affect protein function. In summary, the available evidence is currently insufficient to determine the role of this variant in disease. Therefore, it has been classified as a Variant of Uncertain Significance.

NM_020461.4(TUBGCP6):c.4865G>A (p.Ser1622Asn)

Gene: TUBGCP6 (tubulin gamma complex component 6; minus strand). Cytogenetic location: 22q13.33.
Variant type: single nucleotide variant.
Coding change: c.4865G>A on transcript NM_020461.4 (MANE Select); coding-DNA position 4865, G replaced by A.
Protein change: p.Ser1622Asn; replaces serine 1622 with asparagine.
Molecular consequence: missense variant.
Genome position (GRCh38, 1-based): chr22:50,218,577, C>T on the plus strand (G>A on the coding strand, the complement: TUBGCP6 is on the minus strand). VCF-style: chr22-50218577-C-T. GRCh37 (hg19) VCF-style: chr22-50657006-C-T.
Other names: short protein forms S1622N.
Identifiers: ClinVar variation 1933512 (VCV001933512.5), dbSNP rs1285819575, ClinGen allele CA412167413.